The following is an entry in ClinVar:

ClinVar aggregate classification (germline): Uncertain significance (1 of 4 stars; one submission).

Conditions:
Primary ciliary dyskinesia. Also called: Ciliary dyskinesia. Identifiers: Orphanet 244, MedGen C0008780, MONDO:0016575, HP:0012265.

Allele frequency attached by ClinVar (database versions not stated): gnomAD exomes below 0.00001; TOPMed below 0.00001; ExAC 0.00001; gnomAD 0.00001.
gnomAD v4.1: 2 of 1,614,052 alleles (0.00012%); highest among the groups gnomAD compares: African/African-American, 0.0027%; no homozygotes.

Submission:

Labcorp Genetics (formerly Invitae), Labcorp
Classification: Uncertain significance for Primary ciliary dyskinesia. Last evaluated: 2021-09-01. Review status: criteria provided, single submitter. Criteria: Invitae Variant Classification Sherloc (09022015). Collection method: clinical testing. Allele origin: germline.
Comment: This sequence change replaces methionine with threonine at codon 2301 of the DNAH5 protein (p.Met2301Thr). The methionine residue is highly conserved and there is a moderate physicochemical difference between methionine and threonine. This variant is present in population databases (rs778689094, ExAC 0.01%). This variant has not been reported in the literature in individuals affected with DNAH5-related conditions. Algorithms developed to predict the effect of missense changes on protein structure and function are either unavailable or do not agree on the potential impact of this missense change (SIFT: "Deleterious"; PolyPhen-2: "Benign"; Align-GVGD: "Class C0"). In summary, the available evidence is currently insufficient to determine the role of this variant in disease. Therefore, it has been classified as a Variant of Uncertain Significance.

NM_001369.3(DNAH5):c.6902T>C (p.Met2301Thr)

Gene: DNAH5 (dynein axonemal heavy chain 5; minus strand). Cytogenetic location: 5p15.2.
Variant type: single nucleotide variant.
Coding change: c.6902T>C on transcript NM_001369.3 (MANE Select); coding-DNA position 6902, T replaced by C.
Protein change: p.Met2301Thr; replaces methionine 2301 with threonine.
Molecular consequence: missense variant.
Genome position (GRCh38, 1-based): chr5:13,817,634, A>G on the plus strand (T>C on the coding strand, the complement: DNAH5 is on the minus strand). VCF-style: chr5-13817634-A-G. GRCh37 (hg19) VCF-style: chr5-13817743-A-G.
Other names: short protein forms M2301T.
Identifiers: ClinVar variation 968949 (VCV000968949.7), dbSNP rs778689094, ClinGen allele CA3203241.